The following is an entry in ClinVar:

NM_130837.3(OPA1):c.2748T>C (p.Tyr916=)

Gene: OPA1 (OPA1 mitochondrial dynamin like GTPase; plus strand). Cytogenetic location: 3q29.
Variant type: single nucleotide variant.
Coding change: c.2748T>C on transcript NM_130837.3 (MANE Select); coding-DNA position 2748, T replaced by C.
Protein change: p.Tyr916=; no amino-acid change (tyrosine 916 retained).
Molecular consequence: synonymous variant.
Genome position (GRCh38, 1-based): chr3:193,664,966, T>C. VCF-style: chr3-193664966-T-C. GRCh37 (hg19) VCF-style: chr3-193382755-T-C.
Other names: c.2214T>C, p.Tyr738= (NM_001354663.2); c.2211T>C, p.Tyr737= (NM_001354664.2); c.2583T>C, p.Tyr861= (NM_015560.3); c.2475T>C, p.Tyr825= (NM_130831.3); c.2529T>C, p.Tyr843= (NM_130832.3); c.2586T>C, p.Tyr862= (NM_130833.3); c.2637T>C, p.Tyr879= (NM_130834.3); c.2640T>C, p.Tyr880= (NM_130835.3); and 1 more.
Identifiers: ClinVar variation 4993529 (VCV004993529.1).
Genomic context (GRCh38, chr3:193,664,966, plus strand): 5'-TAGAAGACATTTTTTAAAAACAGCTCTAAACCATTGTAACCTTTGTCGAAGAGGTTTTTA[T>C]TACTACCAAAGGCATTTTGTAGATTCTGAGGTAAGGTTTCCAAAAACAAAGAGAAGTATT-3'
Protein context (NP_570850.2, residues 906-926): NHCNLCRRGF[Tyr916=]YYQRHFVDSE

ClinVar aggregate classification (germline): Likely benign (1 of 4 stars; one submission).

Conditions:
OPA1-related disorder. Also called: OPA1-related condition; OPA1-related disorders.

gnomAD v4.1: 2 of 1,603,356 alleles (0.00012%); highest among the groups gnomAD compares: South Asian, 0.0022%; no homozygotes.

Submission:

PreventionGenetics, part of Exact Sciences
Classification: Likely benign for OPA1-related condition. Last evaluated: 2026-03-26. Review status: criteria provided, single submitter. Criteria: ACMG Guidelines, 2015. Collection method: clinical testing. Allele origin: germline.
Comment: This variant is classified as likely benign based on ACMG/AMP sequence variant interpretation guidelines (Richards et al. 2015 PMID: 25741868, with internal and published modifications).